The following is an entry in ClinVar:

ClinVar aggregate classification (germline): Conflicting classifications of pathogenicity. Review status: criteria provided, conflicting classifications (1 of 4 stars). 6 submissions from 6 submitters: Uncertain significance (5); Likely benign (1). Last evaluated 2025-10-14.

Conditions:
Malignant hyperthermia, susceptibility to, 5 (MHS5). Also called: CACNA1S-Related Malignant Hyperthermia Susceptibility. Identifiers: Orphanet 423, MedGen C1866077, MONDO:0011163, OMIM 601887.
Hypokalemic periodic paralysis, type 1. Also called: HypoPP; Hypokalemic Periodic Paralysis Type 1 (AD). Identifiers: Orphanet 681, MedGen C3714580, MONDO:0042979, OMIM 170400.
CACNA1S-related disorder. Also called: CACNA1S-related condition.
Congenital myopathy 18. Also called: Myopathy, congenital, due to dihydropyridine receptor defect; DIHYDROPYRIDINE RECEPTOR CONGENITAL MYOPATHY; DHPR CONGENITAL MYOPATHY. Identifiers: MedGen C5830283, MONDO:0859514, OMIM 620246.

Allele frequency attached by ClinVar (database versions not stated): gnomAD exomes 0.00001; TOPMed 0.00001; ExAC 0.00003.
gnomAD v4.1: 13 of 1,614,064 alleles (0.00081%); highest among the groups gnomAD compares: South Asian, 0.0011%; no homozygotes.

Submissions (6):

Labcorp Genetics (formerly Invitae), Labcorp
Classification: Likely benign for Hypokalemic periodic paralysis, type 1; Malignant hyperthermia, susceptibility to, 5. Last evaluated: 2025-10-14. Review status: criteria provided, single submitter. Criteria: Invitae Variant Classification Sherloc (09022015). Collection method: clinical testing. Allele origin: germline.

PreventionGenetics, part of Exact Sciences
Classification: Uncertain significance for CACNA1S-related condition. Last evaluated: 2025-09-05. Review status: criteria provided, single submitter. Criteria: ACMG Guidelines, 2015. Collection method: clinical testing. Allele origin: germline.
Comment: The CACNA1S c.2276G>A variant is predicted to result in the amino acid substitution p.Arg759His. To our knowledge, this variant has not been reported in the literature. This variant is reported in 0.0033% of alleles in individuals of South Asian descent in gnomAD. At this time, the clinical significance of this variant is uncertain due to the absence of conclusive functional and genetic evidence.

Revvity Omics, Revvity
Classification: Uncertain significance. Last evaluated: 2024-06-18. Review status: criteria provided, single submitter. Criteria: ACMG Guidelines, 2015. Collection method: clinical testing. Allele origin: germline.

Color Diagnostics, LLC DBA Color Health
Classification: Uncertain significance for Malignant hyperthermia, susceptibility to, 5. Last evaluated: 2024-01-29. Review status: criteria provided, single submitter. Criteria: ACMG Guidelines, 2015. Collection method: clinical testing. Allele origin: germline.
Comment: This missense variant replaces arginine with histidine at codon 759 of the CACNA1S protein. Computational prediction suggests that this variant may have deleterious impact on protein structure and function. To our knowledge, functional studies have not been reported for this variant. This variant has not been reported in individuals affected with CACNA1S-related disorders in the literature. This variant has been identified in 4/251402 chromosomes in the general population by the Genome Aggregation Database (gnomAD). The available evidence is insufficient to determine the role of this variant in disease conclusively. Therefore, this variant is classified as a Variant of Uncertain Significance.

Blueprint Genetics
Classification: Uncertain significance. Last evaluated: 2023-02-28. Review status: criteria provided, single submitter. Criteria: ACMG Guidelines, 2015. Collection method: clinical testing. Allele origin: germline.

Juno Genomics, Hangzhou Juno Genomics, Inc
Classification: Uncertain significance for Congenital myopathy 18. Review status: criteria provided, single submitter. Criteria: ACMG Guidelines, 2015. Collection method: clinical testing. Allele origin: germline.
Comment: Absent from controls (or at extremely low frequency if recessive) in Genome Aggregation Database.;Multiple lines of computational evidence support a deleterious effect on the gene or gene product.

NM_000069.3(CACNA1S):c.2276G>A (p.Arg759His)

Gene: CACNA1S (calcium voltage-gated channel subunit alpha1 S; minus strand). Cytogenetic location: 1q32.1.
Variant type: single nucleotide variant.
Coding change: c.2276G>A on transcript NM_000069.3 (MANE Select); coding-DNA position 2276, G replaced by A.
Protein change: p.Arg759His; replaces arginine 759 with histidine.
Molecular consequence: missense variant.
Genome position (GRCh38, 1-based): chr1:201,070,356, C>T on the plus strand (G>A on the coding strand, the complement: CACNA1S is on the minus strand). VCF-style: chr1-201070356-C-T. GRCh37 (hg19) VCF-style: chr1-201039484-C-T.
Other names: c.2276G>A (NM_000069.2); short protein forms R759H.
Identifiers: ClinVar variation 2931131 (VCV002931131.7), dbSNP rs771314646, ClinGen allele CA078917.